The following is an entry in ClinVar:

ClinVar aggregate classification (germline): Conflicting classifications of pathogenicity. Review status: criteria provided, conflicting classifications (1 of 4 stars). 4 submissions from 4 submitters: Uncertain significance (3); Likely benign (1). Last evaluated 2025-11-01.

Conditions:
Cerebral palsy, spastic quadriplegic, 2 (CPSQ2). Identifiers: Orphanet 210141, MedGen C2752061, MONDO:0013033, OMIM 612900.

Allele frequency attached by ClinVar (database versions not stated): ESP Exome Variant Server 0.00008; ExAC 0.00016; gnomAD exomes 0.00019 and 0.00034; TOPMed 0.00025; gnomAD 0.00028 and 0.00031.
gnomAD v4.1: 533 of 1,614,030 alleles (0.033%); highest among the groups gnomAD compares: Admixed American, 0.047%; no homozygotes.

Submissions (4):

CeGaT Center for Human Genetics Tuebingen
Classification: Uncertain significance. Last evaluated: 2025-11-01. Review status: criteria provided, single submitter. Criteria: CeGaT Center For Human Genetics Tuebingen Variant Classification Criteria Version 2. Collection method: clinical testing. Allele origin: germline. Affected: yes. Observed: 1 variant allele.
Comment: KANK1: PM2, BP4

Labcorp Genetics (formerly Invitae), Labcorp
Classification: Uncertain significance. Last evaluated: 2025-09-02. Review status: criteria provided, single submitter. Criteria: Invitae Variant Classification Sherloc (09022015). Collection method: clinical testing. Allele origin: germline.
Comment: This sequence change replaces lysine, which is basic and polar, with asparagine, which is neutral and polar, at codon 423 of the KANK1 protein (p.Lys423Asn). This variant is present in population databases (rs137918238, gnomAD 0.04%). This variant has not been reported in the literature in individuals affected with KANK1-related conditions. ClinVar contains an entry for this variant (Variation ID: 1450877). Invitae Evidence Modeling of protein sequence and biophysical properties (such as structural, functional, and spatial information, amino acid conservation, physicochemical variation, residue mobility, and thermodynamic stability) indicates that this missense variant is not expected to disrupt KANK1 protein function with a negative predictive value of 80%. In summary, the available evidence is currently insufficient to determine the role of this variant in disease. Therefore, it has been classified as a Variant of Uncertain Significance.

Blueprint Genetics
Classification: Likely benign. Last evaluated: 2023-12-15. Review status: criteria provided, single submitter. Criteria: ACMG Guidelines, 2015. Collection method: clinical testing. Allele origin: germline.

Fulgent Genetics
Classification: Uncertain significance for Cerebral palsy, spastic quadriplegic, 2. Last evaluated: 2022-04-28. Review status: criteria provided, single submitter. Criteria: ACMG Guidelines, 2015. Collection method: clinical testing. Allele origin: unknown.

NM_015158.5(KANK1):c.1269G>C (p.Lys423Asn)

Gene: KANK1 (KN motif and ankyrin repeat domains 1; plus strand). Cytogenetic location: 9p24.3.
Variant type: single nucleotide variant.
Coding change: c.1269G>C on transcript NM_015158.5 (MANE Select); coding-DNA position 1269, G replaced by C.
Protein change: p.Lys423Asn; replaces lysine 423 with asparagine.
Molecular consequence: missense variant. On other transcripts: non-coding transcript variant (1).
Genome position (GRCh38, 1-based): chr9:712,035, G>C. VCF-style: chr9-712035-G-C. GRCh37 (hg19) VCF-style: chr9-712035-G-C.
Other names: c.1269G>C, p.Lys423Asn (NM_001256876.3, NM_001256877.3, NM_001354331.2 and 2 more transcripts); c.795G>C, p.Lys265Asn (NM_001354333.2, NM_001354335.2, NM_001354336.2 and 9 more transcripts); short protein forms K265N, K423N.
Identifiers: ClinVar variation 1450877 (VCV001450877.15), dbSNP rs137918238, ClinGen allele CA4960175.